The following is an entry in ClinVar:

NM_001414.4(EIF2B1):c.779C>T (p.Ala260Val)

Genes: EIF2B1 (eukaryotic translation initiation factor 2B subunit alpha; minus strand), LOC126861664 (CDK7 strongly-dependent group 2 enhancer GRCh37_chr12:124105924-124107123; plus strand). Cytogenetic location: 12q24.31.
Variant type: single nucleotide variant.
Coding change: c.779C>T on transcript NM_001414.4 (MANE Select); coding-DNA position 779, C replaced by T.
Protein change: p.Ala260Val; replaces alanine 260 with valine.
Molecular consequence: missense variant.
Genome position (GRCh38, 1-based): chr12:123,621,895, G>A on the plus strand (C>T on the coding strand, the complement: EIF2B1 is on the minus strand). VCF-style: chr12-123621895-G-A. GRCh37 (hg19) VCF-style: chr12-124106442-G-A.
Other names: short protein forms A260V.
Identifiers: ClinVar variation 2140196 (VCV002140196.1), dbSNP rs1245638011, ClinGen allele CA387138560.

ClinVar aggregate classification (germline): Uncertain significance (1 of 4 stars; one submission).

Allele frequency attached by ClinVar (database versions not stated): TOPMed below 0.00001; gnomAD 0.00001; gnomAD exomes 0.00002.
gnomAD v4.1: 27 of 1,613,930 alleles (0.0017%); highest among the groups gnomAD compares: Middle Eastern, 0.017%; no homozygotes.

Submission:

Labcorp Genetics (formerly Invitae), Labcorp
Classification: Uncertain significance. Last evaluated: 2022-01-11. Review status: criteria provided, single submitter. Criteria: Invitae Variant Classification Sherloc (09022015). Collection method: clinical testing. Allele origin: germline.
Comment: This sequence change replaces alanine, which is neutral and non-polar, with valine, which is neutral and non-polar, at codon 260 of the EIF2B1 protein (p.Ala260Val). This variant is present in population databases (no rsID available, gnomAD 0.01%). This variant has not been reported in the literature in individuals affected with EIF2B1-related conditions. Algorithms developed to predict the effect of missense changes on protein structure and function output the following: SIFT: "Tolerated"; PolyPhen-2: "Benign"; Align-GVGD: "Class C0". The valine amino acid residue is found in multiple mammalian species, which suggests that this missense change does not adversely affect protein function. In summary, the available evidence is currently insufficient to determine the role of this variant in disease. Therefore, it has been classified as a Variant of Uncertain Significance.